The following is an entry in ClinVar:

NM_001174089.2(SLC4A11):c.44-73C>T

Gene: SLC4A11 (solute carrier family 4 member 11; minus strand). Cytogenetic location: 20p13.
Variant type: single nucleotide variant.
Coding change: c.44-73C>T on transcript NM_001174089.2 (MANE Select); 73 bases into the intron before coding-DNA position 44, C replaced by T.
Molecular consequence: intron variant. On other transcripts: missense variant (1).
Genome position (GRCh38, 1-based): chr20:3,237,661, G>A on the plus strand (C>T on the coding strand, the complement: SLC4A11 is on the minus strand). VCF-style: chr20-3237661-G-A. GRCh37 (hg19) VCF-style: chr20-3218307-G-A.
Other names: c.19C>T, p.Arg7Trp (NM_032034.4); c.44-73C>T (NM_001363745.2); c.173-73C>T (NM_001174090.2); short protein forms R7W.
Identifiers: ClinVar variation 793245 (VCV000793245.17), dbSNP rs200343026, ClinGen allele CA9742494.

ClinVar aggregate classification (germline): Conflicting classifications of pathogenicity. Review status: criteria provided, conflicting classifications (1 of 4 stars). 5 submissions from 5 submitters: Uncertain significance (1); Likely benign (3). 1 of the submissions does not count toward it. Last evaluated 2026-01-18.

Conditions:
Corneal dystrophy. Identifiers: Orphanet 34533, MedGen C0010036, MONDO:0018102, HP:0001131.
Corneal dystrophy-perceptive deafness syndrome (CDPD). Also called: CORNEAL DYSTROPHY AND SENSORINEURAL DEAFNESS; HARBOYAN SYNDROME. Identifiers: Orphanet 1490, MedGen C1857572, MONDO:0009015, OMIM 217400.
Inborn genetic diseases. Identifiers: MedGen C0950123, MeSH D030342.
SLC4A11-related disorder. Also called: SLC4A11-related condition.

Allele frequency attached by ClinVar (database versions not stated): ESP Exome Variant Server 0.00008; 1000 Genomes Project 30x 0.00016; 1000 Genomes Project 0.00020; gnomAD 0.00021 and 0.00023; TOPMed 0.00034; gnomAD exomes 0.00038; ExAC 0.00043.
gnomAD v4.1: 339 of 1,613,922 alleles (0.021%); highest among the groups gnomAD compares: Admixed American, 0.17%; 5 homozygotes.

Submissions (5):

Labcorp Genetics (formerly Invitae), Labcorp
Classification: Likely benign. Last evaluated: 2026-01-18. Review status: criteria provided, single submitter. Criteria: Invitae Variant Classification Sherloc (09022015). Collection method: clinical testing. Allele origin: germline.

Ambry Genetics
Classification: Likely benign for Inborn genetic diseases. Last evaluated: 2025-06-13. Review status: criteria provided, single submitter. Criteria: Ambry Variant Classification Scheme 2023. Collection method: clinical testing. Allele origin: germline.

PreventionGenetics, part of Exact Sciences
Classification: Likely benign for SLC4A11-related condition. Last evaluated: 2024-10-20. Review status: criteria provided, single submitter. Criteria: ACMG Guidelines, 2015. Collection method: clinical testing. Allele origin: germline.
Comment: This variant is classified as likely benign based on ACMG/AMP sequence variant interpretation guidelines (Richards et al. 2015 PMID: 25741868, with internal and published modifications).

Illumina Laboratory Services, Illumina
Classification: Uncertain significance for Corneal dystrophy. Last evaluated: 2018-01-13. Review status: criteria provided, single submitter. Criteria: ICSL Variant Classification Criteria 13 December 2019. Collection method: clinical testing. Allele origin: germline.

Natera, Inc.
Classification: Benign for Corneal dystrophy-perceptive deafness syndrome. Last evaluated: 2019-10-21. Review status: no assertion criteria provided. Collection method: clinical testing. Allele origin: germline. Not counted in ClinVar's aggregate classification.